The following is an entry in ClinVar:

ClinVar aggregate classification (germline): Uncertain significance (1 of 4 stars; one submission).

Submission:

GeneDx
Classification: Uncertain significance. Last evaluated: 2023-01-19. Review status: criteria provided, single submitter. Criteria: GeneDx Variant Classification Process June 2021. Collection method: clinical testing. Allele origin: germline. Affected: yes.
Comment: Not observed at significant frequency in large population cohorts (gnomAD); In silico analysis supports that this missense variant has a deleterious effect on protein structure/function; Has not been previously published as pathogenic or benign to our knowledge

NM_000297.4(PKD2):c.832G>T (p.Asp278Tyr)

Gene: PKD2 (polycystin 2, transient receptor potential cation channel; plus strand). Cytogenetic location: 4q22.1.
Variant type: single nucleotide variant.
Coding change: c.832G>T on transcript NM_000297.4 (MANE Select); coding-DNA position 832, G replaced by T.
Protein change: p.Asp278Tyr; replaces aspartic acid 278 with tyrosine.
Molecular consequence: missense variant. On other transcripts: non-coding transcript variant (1).
Genome position (GRCh38, 1-based): chr4:88,036,342, G>T. VCF-style: chr4-88036342-G-T. GRCh37 (hg19) VCF-style: chr4-88957494-G-T.
Other names: short protein forms D278Y.
Identifiers: ClinVar variation 2573979 (VCV002573979.1), dbSNP rs2475896220, ClinGen allele CA357631661.